The following is an entry in ClinVar:

ClinVar aggregate classification (germline): Conflicting classifications of pathogenicity. Review status: criteria provided, conflicting classifications (1 of 4 stars). 5 submissions from 4 submitters: Uncertain significance (4); Likely benign (1). Last evaluated 2026-07-27.

Conditions:
Type 2 collagenopathy. Identifiers: Orphanet 93421, MedGen C2931073, MONDO:0022800.
Stickler syndrome type 1 (STL1). Also called: ARTHROOPHTHALMOPATHY, HEREDITARY PROGRESSIVE; STICKLER SYNDROME, MEMBRANOUS VITREOUS TYPE; STICKLER SYNDROME, VITREOUS TYPE 1; COL2A1-Related Stickler Syndrome. Identifiers: Orphanet 828, Orphanet 90653, MedGen C2020284, MONDO:0007160, OMIM 108300.
COL2A1-related disorder. Also called: COL2A1-related condition; COL2A1-related disorders.

Allele frequency attached by ClinVar (database versions not stated): ExAC below 0.00001; gnomAD 0.00003; TOPMed 0.00006.
gnomAD v4.1: 50 of 1,569,144 alleles (0.0032%); highest among the groups gnomAD compares: Middle Eastern, 0.017%; no homozygotes.

Submissions (5):

GeneDx
Classification: Uncertain significance. Last evaluated: 2026-07-27. Review status: criteria provided, single submitter. Criteria: GeneDx Variant Classification Process June 2021. Collection method: clinical testing. Allele origin: germline.
Comment: Identified in a patient with an unspecified eye disease in published literature (PMID: 38958168); Occurs in the triple helical domain at the Y position in the canonical Gly-X-Y repeat; although this variant may have an effect on normal protein folding and function, missense substitution at the Y position is not a common mechanism of disease (HGMD); In silico analysis suggests that this missense variant does not alter protein structure/function; This variant is associated with the following publications: (PMID: 38958168)

PreventionGenetics, part of Exact Sciences
Classification: Uncertain significance for COL2A1-related condition. Last evaluated: 2026-04-29. Review status: criteria provided, single submitter. Criteria: ACMG Guidelines, 2015. Collection method: clinical testing. Allele origin: germline.
Comment: The COL2A1 c.1498G>A variant is predicted to result in the amino acid substitution p.Val500Ile. This variant has been reported in an individual with Marfan syndrome (Supplementary table 3, Han et al. 2024. PubMed ID: 38958168). This variant is reported in 0.0074% of alleles in individuals of East Asian descent in gnomAD. At this time, the clinical significance of this variant is uncertain due to the absence of conclusive functional and genetic evidence.

Labcorp Genetics (formerly Invitae), Labcorp
Classification: Likely benign. Last evaluated: 2025-11-17. Review status: criteria provided, single submitter. Criteria: Invitae Variant Classification Sherloc (09022015). Collection method: clinical testing. Allele origin: germline.

Illumina Laboratory Services, Illumina
Classification: Uncertain significance for Stickler syndrome type 1. Last evaluated: 2018-01-13. Review status: criteria provided, single submitter. Criteria: ICSL Variant Classification Criteria 13 December 2019. Collection method: clinical testing. Allele origin: germline.

Illumina Laboratory Services, Illumina
Classification: Uncertain significance for Type II Collagenopathies. Last evaluated: 2018-01-13. Review status: criteria provided, single submitter. Criteria: ICSL Variant Classification Criteria 13 December 2019. Collection method: clinical testing. Allele origin: germline.

NM_001844.5(COL2A1):c.1498G>A (p.Val500Ile)

Gene: COL2A1 (collagen type II alpha 1 chain; minus strand). Cytogenetic location: 12q13.11.
Variant type: single nucleotide variant.
Coding change: c.1498G>A on transcript NM_001844.5 (MANE Select); coding-DNA position 1498, G replaced by A.
Protein change: p.Val500Ile; replaces valine 500 with isoleucine.
Molecular consequence: missense variant.
Genome position (GRCh38, 1-based): chr12:47,986,365, C>T on the plus strand (G>A on the coding strand, the complement: COL2A1 is on the minus strand). VCF-style: chr12-47986365-C-T. GRCh37 (hg19) VCF-style: chr12-48380148-C-T.
Other names: c.1291G>A, p.Val431Ile (NM_033150.3); short protein forms V500I, V431I.
Identifiers: ClinVar variation 308926 (VCV000308926.15), dbSNP rs768110640, ClinGen allele CA6535468.